The following is an entry in ClinVar:

NM_001283009.2(RTEL1):c.1067A>G (p.Gln356Arg)

Genes: RTEL1 (regulator of telomere elongation helicase 1; plus strand), RTEL1-TNFRSF6B (RTEL1-TNFRSF6B readthrough (NMD candidate); plus strand). Cytogenetic location: 20q13.33.
Variant type: single nucleotide variant.
Coding change: c.1067A>G on transcript NM_001283009.2 (MANE Select); coding-DNA position 1067, A replaced by G.
Protein change: p.Gln356Arg; replaces glutamine 356 with arginine.
Molecular consequence: missense variant. On other transcripts: non-coding transcript variant (1).
Genome position (GRCh38, 1-based): chr20:63,679,878, A>G. VCF-style: chr20-63679878-A-G. GRCh37 (hg19) VCF-style: chr20-62311231-A-G.
Other names: c.398A>G, p.Gln133Arg (NM_001283010.1); c.1067A>G, p.Gln356Arg (NM_016434.4); c.1139A>G, p.Gln380Arg (NM_032957.5); short protein forms Q356R, Q380R, Q133R.
Identifiers: ClinVar variation 3435998 (VCV003435998.1).

ClinVar aggregate classification (germline): Uncertain significance (1 of 4 stars; one submission).

Conditions:
Inborn genetic diseases. Identifiers: MedGen C0950123, MeSH D030342.

gnomAD v4.1: 1 of 1,611,806 alleles (0.000062%); highest among the groups gnomAD compares: Non-Finnish European, 0.000085%; no homozygotes.

Submission:

Ambry Genetics
Classification: Uncertain significance for Inborn genetic diseases. Last evaluated: 2024-11-28. Review status: criteria provided, single submitter. Criteria: Ambry Variant Classification Scheme 2023. Collection method: clinical testing. Allele origin: germline.
Comment: The p.Q356R variant (also known as c.1067A>G), located in coding exon 12 of the RTEL1 gene, results from an A to G substitution at nucleotide position 1067. The glutamine at codon 356 is replaced by arginine, an amino acid with highly similar properties. This amino acid position is conserved. In addition, this alteration is predicted to be tolerated by in silico analysis. Based on the available evidence, the clinical significance of this variant remains unclear.